The following is an entry in ClinVar:

ClinVar aggregate classification (germline): Benign/Likely benign. Review status: criteria provided, multiple submitters, no conflicts (2 of 4 stars). 12 submissions from 12 submitters: Benign (5); Likely benign (6). 1 of the submissions does not count toward it. Last evaluated 2026-10-01.

Conditions:
LRP2-related disorder. Also called: LRP2-related condition.
Donnai-Barrow syndrome. Also called: FACIOOCULOACOUSTICORENAL SYNDROME; DBS/FOAR SYNDROME. Identifiers: Orphanet 2143, MedGen C1857277, MONDO:0009104, OMIM 222448.
Intellectual disability. Also called: Intellectual functioning disability; intellectual disabilities; Intellectual developmental disorder. Identifiers: MedGen C3714756, MeSH D008607, MONDO:0001071, HP:0001249.

Allele frequency attached by ClinVar (database versions not stated): 1000 Genomes Project 30x 0.00156; 1000 Genomes Project 0.00160; gnomAD 0.00217; TOPMed 0.00330; ESP Exome Variant Server 0.00361.
gnomAD v4.1: 8,448 of 1,614,004 alleles (0.52%); highest among the groups gnomAD compares: Non-Finnish European, 0.66%; 24 homozygotes.

Submissions (12):

CeGaT Center for Human Genetics Tuebingen
Classification: Likely benign. Last evaluated: 2026-10-01. Review status: criteria provided, single submitter. Criteria: CeGaT Center For Human Genetics Tuebingen Variant Classification Criteria Version 2. Collection method: clinical testing. Allele origin: germline. Affected: yes. Observed: 17 variant alleles.
Comment: LRP2: BP4, BS2

Labcorp Genetics (formerly Invitae), Labcorp
Classification: Benign. Last evaluated: 2026-02-02. Review status: criteria provided, single submitter. Criteria: Invitae Variant Classification Sherloc (09022015). Collection method: clinical testing. Allele origin: germline.

Mayo Clinic Laboratories, Mayo Clinic
Classification: Benign. Last evaluated: 2025-09-24. Review status: criteria provided, single submitter. Criteria: ACMG Guidelines, 2015. Collection method: clinical testing. Allele origin: germline. Observed: 2 variant alleles.
Comment: BS1, BS2, BP4_moderate

Blueprint Genetics
Classification: Likely benign. Last evaluated: 2024-11-23. Review status: criteria provided, single submitter. Criteria: ACMG Guidelines, 2015. Collection method: clinical testing. Allele origin: germline.

Women's Health and Genetics/Laboratory Corporation of America, LabCorp
Classification: Benign. Last evaluated: 2022-03-14. Review status: criteria provided, single submitter. Criteria: LabCorp Variant Classification Summary - May 2015. Collection method: clinical testing. Allele origin: germline.
Comment: Variant summary: LRP2 c.12379C>A (p.Arg4127Ser) results in a non-conservative amino acid change in the encoded protein sequence. Four of five in-silico tools predict a benign effect of the variant on protein function. The variant allele was found at a frequency of 0.0031 in 251338 control chromosomes in the gnomAD database, including 3 homozygotes. The observed variant frequency is approximately 2.8 fold of the estimated maximal expected allele frequency for a pathogenic variant in LRP2 causing Donnai Barrow Syndrome phenotype (0.0011), strongly suggesting that the variant is benign. Four clinical diagnostic laboratories have submitted clinical-significance assessments for this variant to ClinVar after 2014 without evidence for independent evaluation. All laboratories classified the variant as benign/likely benign. Based on the evidence outlined above, the variant was classified as benign.

Department of Pathology and Laboratory Medicine, Sinai Health System
Classification: Likely benign for Donnai-Barrow syndrome. Last evaluated: 2021-07-30. Review status: criteria provided, single submitter. Criteria: ACMG Guidelines, 2015. Collection method: research. Allele origin: germline.

Genome-Nilou Lab
Classification: Benign for Donnai-Barrow syndrome. Last evaluated: 2021-07-15. Review status: criteria provided, single submitter. Criteria: ACMG Guidelines, 2015. Collection method: clinical testing. Allele origin: germline. Affected: no.

GeneDx
Classification: Likely benign. Last evaluated: 2020-08-06. Review status: criteria provided, single submitter. Criteria: GeneDx Variant Classification Process June 2021. Collection method: clinical testing. Allele origin: germline. Affected: yes.
Comment: This variant is associated with the following publications: (PMID: 25158045)

Cambridge Genomics Laboratory, East Genomic Laboratory Hub, NHS Genomic Medicine Service
Classification: Benign for Intellectual disability. Last evaluated: 2020-02-11. Review status: criteria provided, single submitter. Criteria: ACGS Best Practice Guidelines for Variant Classification in Rare Disease 2020. Collection method: clinical testing. Allele origin: germline. Affected: yes. Observed: 1 variant allele.

Illumina Laboratory Services, Illumina
Classification: Likely benign for Donnai-Barrow syndrome. Last evaluated: 2018-01-13. Review status: criteria provided, single submitter. Criteria: ICSL Variant Classification Criteria 13 December 2019. Collection method: clinical testing. Allele origin: germline.
Comment: This variant was observed in the ICSL laboratory as part of a predisposition screen in an ostensibly healthy population. It had not been previously curated by ICSL or reported in the Human Gene Mutation Database (HGMD: prior to June 1st, 2018), and was therefore a candidate for classification through an automated scoring system. Utilizing variant allele frequency, disease prevalence and penetrance estimates, and inheritance mode, an automated score was calculated to assess if this variant is too frequent to cause the disease. Based on the score and internal cut-off values, a variant classified as likely benign is not then subjected to further curation. The score for this variant resulted in a classification of likely benign for this disease.

Breakthrough Genomics
Classification: Likely benign. Review status: criteria provided, single submitter. Criteria: ACMG Guidelines, 2015. Collection method: not provided. Allele origin: germline. Inheritance: Autosomal recessive inheritance. Affected: yes.

PreventionGenetics, part of Exact Sciences
Classification: Likely benign for LRP2-related condition. Last evaluated: 2020-01-23. Review status: no assertion criteria provided. Collection method: clinical testing. Allele origin: germline. Not counted in ClinVar's aggregate classification.
Comment: This variant is classified as likely benign based on ACMG/AMP sequence variant interpretation guidelines (Richards et al. 2015 PMID: 25741868, with internal and published modifications).

Literature cited by the submitters: PubMed 25158045 (cited by Mayo Clinic Laboratories, Mayo Clinic).

NM_004525.3(LRP2):c.12379C>A (p.Arg4127Ser)

Gene: LRP2 (LDL receptor related protein 2; minus strand). Cytogenetic location: 2q31.1.
Variant type: single nucleotide variant.
Coding change: c.12379C>A on transcript NM_004525.3 (MANE Select); coding-DNA position 12379, C replaced by A.
Protein change: p.Arg4127Ser; replaces arginine 4127 with serine.
Molecular consequence: missense variant.
Genome position (GRCh38, 1-based): chr2:169,152,881, G>T on the plus strand (C>A on the coding strand, the complement: LRP2 is on the minus strand). VCF-style: chr2-169152881-G-T. GRCh37 (hg19) VCF-style: chr2-170009391-G-T.
Other names: p.Arg4127Ser; short protein forms R4127S.
Identifiers: ClinVar variation 332084 (VCV000332084.51), dbSNP rs148356370, ClinGen allele CA1952818.